The following is an entry in ClinVar:

ClinVar aggregate classification (germline): Uncertain significance (1 of 4 stars; one submission).

Conditions:
Muscular dystrophy-dystroglycanopathy type B6 (MDDGB6). Also called: MUSCULAR DYSTROPHY-DYSTROGLYCANOPATHY (CONGENITAL WITH IMPAIRED INTELLECTUAL DEVELOPMENT), TYPE B, 6; MUSCULAR DYSTROPHY, CONGENITAL, LARGE-RELATED; MUSCULAR DYSTROPHY, CONGENITAL, TYPE 1D. Identifiers: MedGen C1837229, MONDO:0012138, OMIM 608840.

Submission:

Labcorp Genetics (formerly Invitae), Labcorp
Classification: Uncertain significance for Muscular dystrophy-dystroglycanopathy type B6. Last evaluated: 2022-02-22. Review status: criteria provided, single submitter. Criteria: Invitae Variant Classification Sherloc (09022015). Collection method: clinical testing. Allele origin: germline.
Comment: In summary, the available evidence is currently insufficient to determine the role of this variant in disease. Therefore, it has been classified as a Variant of Uncertain Significance. Algorithms developed to predict the effect of missense changes on protein structure and function are either unavailable or do not agree on the potential impact of this missense change (SIFT: "Deleterious"; PolyPhen-2: "Probably Damaging"; Align-GVGD: "Class C0"). This variant has not been reported in the literature in individuals affected with LARGE1-related conditions. This variant is not present in population databases (gnomAD no frequency). This sequence change replaces lysine, which is basic and polar, with threonine, which is neutral and polar, at codon 158 of the LARGE1 protein (p.Lys158Thr).

NM_133642.5(LARGE1):c.473A>C (p.Lys158Thr)

Gene: LARGE1 (LARGE xylosyl- and glucuronyltransferase 1; minus strand). Cytogenetic location: 22q12.3.
Variant type: single nucleotide variant.
Coding change: c.473A>C on transcript NM_133642.5 (MANE Select); coding-DNA position 473, A replaced by C.
Protein change: p.Lys158Thr; replaces lysine 158 with threonine.
Molecular consequence: missense variant.
Genome position (GRCh38, 1-based): chr22:33,626,262, T>G on the plus strand (A>C on the coding strand, the complement: LARGE1 is on the minus strand). VCF-style: chr22-33626262-T-G. GRCh37 (hg19) VCF-style: chr22-34022246-T-G.
Other names: c.473A>C, p.Lys158Thr (NM_001362949.2, NM_001362951.2, NM_001362953.2 and 7 more transcripts); short protein forms K158T.
Identifiers: ClinVar variation 2101579 (VCV002101579.4), dbSNP rs2518914689, ClinGen allele CA411546959.